The following is an entry in ClinVar:

NM_181882.3(PRX):c.1097G>A (p.Gly366Glu)

Gene: PRX (periaxin; minus strand). Cytogenetic location: 19q13.2.
Variant type: single nucleotide variant.
Coding change: c.1097G>A on transcript NM_181882.3 (MANE Select); coding-DNA position 1097, G replaced by A.
Protein change: p.Gly366Glu; replaces glycine 366 with glutamic acid.
Molecular consequence: missense variant. On other transcripts: 3 prime UTR variant (1).
Genome position (GRCh38, 1-based): chr19:40,397,255, C>T on the plus strand (G>A on the coding strand, the complement: PRX is on the minus strand). VCF-style: chr19-40397255-C-T. GRCh37 (hg19) VCF-style: chr19-40903162-C-T.
Other names: c.1382G>A, p.Gly461Glu (NM_001411127.1); c.*1302G>A (NM_020956.2); short protein forms G461E, G366E.
Identifiers: ClinVar variation 2177689 (VCV002177689.4), dbSNP rs2514807573, ClinGen allele CA405899084.

ClinVar aggregate classification (germline): Uncertain significance (1 of 4 stars; one submission).

Conditions:
Charcot-Marie-Tooth disease type 4. Also called: Charcot-Marie-Tooth disease, type IV; Charcot-Marie-Tooth, Type 4. Identifiers: Orphanet 64749, MedGen C4082197, MONDO:0018995.

Submission:

Labcorp Genetics (formerly Invitae), Labcorp
Classification: Uncertain significance for Charcot-Marie-Tooth disease type 4. Last evaluated: 2022-03-31. Review status: criteria provided, single submitter. Criteria: Invitae Variant Classification Sherloc (09022015). Collection method: clinical testing. Allele origin: germline.
Comment: This sequence change replaces glycine, which is neutral and non-polar, with glutamic acid, which is acidic and polar, at codon 366 of the PRX protein (p.Gly366Glu). This variant is not present in population databases (gnomAD no frequency). This variant has not been reported in the literature in individuals affected with PRX-related conditions. Algorithms developed to predict the effect of missense changes on protein structure and function are either unavailable or do not agree on the potential impact of this missense change (SIFT: "Tolerated"; PolyPhen-2: "Probably Damaging"; Align-GVGD: "Class C0"). In summary, the available evidence is currently insufficient to determine the role of this variant in disease. Therefore, it has been classified as a Variant of Uncertain Significance.